The following is an entry in ClinVar:

NM_000238.4(KCNH2):c.3092del (p.Gly1031fs)

Gene: KCNH2 (potassium voltage-gated channel subfamily H member 2; minus strand). Cytogenetic location: 7q36.1.
Variant type: Deletion.
Coding change: c.3092del on transcript NM_000238.4 (MANE Select); coding-DNA position 3092, one base deleted (G; older notation c.3092delG).
Protein change: p.Gly1031fs; shifts the reading frame from glycine 1031.
Molecular consequence: frameshift variant.
Genome position (GRCh38, 1-based): chr7:150,947,388, C deleted on the plus strand (G on the coding strand, the reverse complement: KCNH2 is on the minus strand); the first of 3 consecutive C bases (chr7:150,947,388-150,947,390); deleting any one gives the same sequence. VCF-style (leftmost placement, unchanged base first): chr7-150947387-AC-A. GRCh37 (hg19) VCF-style: chr7-150644475-AC-A.
Other names: c.2072del, p.Gly691fs (NM_172057.3); short protein forms G1031fs, G691fs.
Identifiers: ClinVar variation 917819 (VCV000917819.12), dbSNP rs1800940404, ClinGen allele CA1108704617.

ClinVar aggregate classification (germline): Pathogenic/Likely pathogenic. Review status: criteria provided, multiple submitters, no conflicts (2 of 4 stars). 3 submissions from 3 submitters: Pathogenic (2); Likely pathogenic (1). Last evaluated 2023-01-27.

Conditions:
Cardiovascular phenotype. Identifiers: MedGen CN230736.
Cardiac arrhythmia. Also called: Arrhythmia; Cardiac rhythm disease. Identifiers: MedGen C0003811, MONDO:0007263, HP:0011675.
Long QT syndrome (LQTS). Identifiers: MedGen C0023976, MeSH D008133, MONDO:0002442. Disease mechanism: loss of function. Inheritance: Various modes of inheritance.

Submissions (3):

Ambry Genetics
Classification: Pathogenic for Cardiovascular phenotype. Last evaluated: 2023-01-27. Review status: criteria provided, single submitter. Criteria: Ambry Variant Classification Scheme 2023. Collection method: clinical testing. Allele origin: germline.
Comment: The c.3092delG pathogenic mutation, located in coding exon 13 of the KCNH2 gene, results from a deletion of one nucleotide at nucleotide position 3092, causing a translational frameshift with a predicted alternate stop codon (p.G1031Vfs*26). This variant has been detected in an individual from a long QT syndrome cohort (Walsh R et al. Genet Med, 2021 Jan;23:47-58). This variant is considered to be rare based on population cohorts in the Genome Aggregation Database (gnomAD). This alteration is expected to result in loss of function by premature protein truncation or nonsense-mediated mRNA decay. As such, this alteration is interpreted as a disease-causing mutation.

Women's Health and Genetics/Laboratory Corporation of America, LabCorp
Classification: Likely pathogenic for Arrhythmia. Last evaluated: 2020-04-20. Review status: criteria provided, single submitter. Criteria: LabCorp Variant Classification Summary - May 2015. Collection method: clinical testing. Allele origin: germline.
Comment: Variant summary: KCNH2 c.3092delG (p.Gly1031ValfsX26) results in a premature termination codon, predicted to cause a truncation of the encoded protein or absence of the protein due to nonsense mediated decay, which are commonly known mechanisms for disease. The variant was absent in 147244 control chromosomes. To our knowledge, no occurrence of c.3092delG in individuals affected with Arrhythmia and no experimental evidence demonstrating its impact on protein function have been reported. No clinical diagnostic laboratories have submitted clinical-significance assessments for this variant to ClinVar after 2014. Based on the evidence outlined above, the variant was classified as likely pathogenic.

Labcorp Genetics (formerly Invitae), Labcorp
Classification: Pathogenic for Long QT syndrome. Last evaluated: 2020-01-13. Review status: criteria provided, single submitter. Criteria: Invitae Variant Classification Sherloc (09022015). Collection method: clinical testing. Allele origin: germline.
Comment: For these reasons, this variant has been classified as Pathogenic. Loss-of-function variants in KCNH2 are known to be pathogenic (PMID: 10973849, 19862833). Algorithms developed to predict the effect of sequence changes on RNA splicing suggest that this variant may create or strengthen a splice site, but this prediction has not been confirmed by published transcriptional studies. This variant has not been reported in the literature in individuals with KCNH2-related conditions. This variant is not present in population databases (ExAC no frequency). This sequence change creates a premature translational stop signal (p.Gly1031Valfs*26) in the KCNH2 gene. It is expected to result in an absent or disrupted protein product.

Literature cited by the submitters: PubMed 32893267 (cited by Ambry Genetics); PubMed 10973849 (cited by Labcorp Genetics (formerly Invitae), Labcorp); PubMed 19862833 (cited by Labcorp Genetics (formerly Invitae), Labcorp).